The following is an entry in ClinVar:

NM_006941.4(SOX10):c.1173dup (p.Phe392fs)

Genes: POLR2F (RNA polymerase II, I and III subunit F; plus strand), SOX10 (SRY-box transcription factor 10; minus strand). Cytogenetic location: 22q13.1.
Variant type: Duplication.
Coding change: c.1173dup on transcript NM_006941.4 (MANE Select); coding-DNA position 1173, one base duplicated (C; older notation c.1173dupC).
Protein change: p.Phe392fs; shifts the reading frame from phenylalanine 392.
Molecular consequence: frameshift variant. On other transcripts: intron variant (3).
Genome position (GRCh38, 1-based): chr22:37,973,723, G duplicated on the plus strand (C on the coding strand, the reverse complement: SOX10 is on the minus strand); the first of 2 consecutive G bases (chr22:37,973,723-37,973,724); duplicating either gives the same sequence. VCF-style (leftmost placement, unchanged base first): chr22-37973722-A-AG. GRCh37 (hg19) VCF-style: chr22-38369729-A-AG.
Other names: c.*38+1414dup (NM_001363825.1); c.293+6554dup (NM_001301130.2, NM_001301131.2); short protein forms F392fs.
Identifiers: ClinVar variation 2700103 (VCV002700103.3), dbSNP rs2518041664, ClinGen allele CA2697552756.
Genomic context (GRCh38, chr22:37,973,722, plus strand): 5'-AATAGGGTCCTGAGGGCTGATGGTCAGAGTAGTCAAACTGGGGGCGGGAGATGGAGGGGA[A>AG]GGCTGAGCCATAGTGGGGCAGGCTGAGGGAGGTGTAGGCGATCTGTGAGGTGGATGGCTG-3'

ClinVar aggregate classification (germline): Pathogenic (1 of 4 stars; one submission).

Submission:

Labcorp Genetics (formerly Invitae), Labcorp
Classification: Pathogenic. Last evaluated: 2024-01-29. Review status: criteria provided, single submitter. Criteria: Invitae Variant Classification Sherloc (09022015). Collection method: clinical testing. Allele origin: germline.
Comment: This sequence change creates a premature translational stop signal (p.Phe392Leufs*10) in the SOX10 gene. While this is not anticipated to result in nonsense mediated decay, it is expected to disrupt the last 75 amino acid(s) of the SOX10 protein. This variant is not present in population databases (gnomAD no frequency). This variant has not been reported in the literature in individuals affected with SOX10-related conditions. This variant disrupts a region of the SOX10 protein in which other variant(s) (p.Gln399Valfs*2) have been determined to be pathogenic (PMID: 23237859). This suggests that this is a clinically significant region of the protein, and that variants that disrupt it are likely to be disease-causing. For these reasons, this variant has been classified as Pathogenic.

Literature cited by the submitters: PubMed 23237859.